The following is an entry in ClinVar:

NM_001145809.2(MYH14):c.408G>A (p.Thr136=)

Gene: MYH14 (myosin heavy chain 14; plus strand). Cytogenetic location: 19q13.33.
Variant type: single nucleotide variant.
Coding change: c.408G>A on transcript NM_001145809.2 (MANE Select); coding-DNA position 408, G replaced by A.
Protein change: p.Thr136=; no amino-acid change (threonine 136 retained).
Molecular consequence: synonymous variant.
Genome position (GRCh38, 1-based): chr19:50,217,617, G>A. VCF-style: chr19-50217617-G-A. GRCh37 (hg19) VCF-style: chr19-50720874-G-A.
Other names: c.408G>A, p.Thr136= (NM_001077186.2, NM_024729.4); c.408G>A (NM_001145809.1).
Identifiers: ClinVar variation 723857 (VCV000723857.11), dbSNP rs376120352, ClinGen allele CA9592257.

ClinVar aggregate classification (germline): Benign/Likely benign. Review status: criteria provided, multiple submitters, no conflicts (2 of 4 stars). 4 submissions from 4 submitters: Benign (2); Likely benign (2). Last evaluated 2026-01-14.

Conditions:
MYH14-related disorder. Also called: MYH14-related condition.

Allele frequency attached by ClinVar (database versions not stated): ExAC 0.00017; gnomAD exomes 0.00018; ESP Exome Variant Server 0.00062; gnomAD 0.00064 and 0.00073; TOPMed 0.00068.
gnomAD v4.1: 204 of 1,613,892 alleles (0.013%); highest among the groups gnomAD compares: African/African-American, 0.21%; no homozygotes.

Submissions (4):

Labcorp Genetics (formerly Invitae), Labcorp
Classification: Benign. Last evaluated: 2026-01-14. Review status: criteria provided, single submitter. Criteria: Invitae Variant Classification Sherloc (09022015). Collection method: clinical testing. Allele origin: germline.

Women's Health and Genetics/Laboratory Corporation of America, LabCorp
Classification: Benign. Last evaluated: 2025-12-08. Review status: criteria provided, single submitter. Criteria: LabCorp Variant Classification Summary - May 2015. Collection method: clinical testing. Allele origin: germline.

PreventionGenetics, part of Exact Sciences
Classification: Likely benign for MYH14-related condition. Last evaluated: 2024-10-17. Review status: criteria provided, single submitter. Criteria: ACMG Guidelines, 2015. Collection method: clinical testing. Allele origin: germline.
Comment: This variant is classified as likely benign based on ACMG/AMP sequence variant interpretation guidelines (Richards et al. 2015 PMID: 25741868, with internal and published modifications).

Blueprint Genetics
Classification: Likely benign. Last evaluated: 2024-09-09. Review status: criteria provided, single submitter. Criteria: ACMG Guidelines, 2015. Collection method: clinical testing. Allele origin: germline.